The following is an entry in ClinVar:

NM_001271.4(CHD2):c.5229A>G (p.Arg1743=)

Gene: CHD2 (chromodomain helicase DNA binding protein 2; plus strand). Cytogenetic location: 15q26.1.
Variant type: single nucleotide variant.
Coding change: c.5229A>G on transcript NM_001271.4 (MANE Select); coding-DNA position 5229, A replaced by G.
Protein change: p.Arg1743=; no amino-acid change (arginine 1743 retained).
Molecular consequence: synonymous variant.
Genome position (GRCh38, 1-based): chr15:93,024,447, A>G. VCF-style: chr15-93024447-A-G. GRCh37 (hg19) VCF-style: chr15-93567677-A-G.
Identifiers: ClinVar variation 513772 (VCV000513772.9), dbSNP rs773814385, ClinGen allele CA7748704.
Genomic context (GRCh38, chr15:93,024,447, plus strand): 5'-CAAGCGGAGGAGATCCGATGAATTTAGGCCTCAAAATTACCACCAGCAGGATTTCCGACG[A>G]ATGTCTGATCACCGCCCCGCTATGGGCTACCATGGCCAGGGACCCTCAGACCATTACCGC-3'
Protein context (NP_001262.3, residues 1733-1753): PQNYHQQDFR[Arg1743=]MSDHRPAMGY

ClinVar aggregate classification (germline): Likely benign. Review status: criteria provided, multiple submitters, no conflicts (2 of 4 stars). 2 submissions from 2 submitters: Likely benign (2). Last evaluated 2025-08-15.

Conditions:
Developmental and epileptic encephalopathy 94 (DEE94). Also called: CHD2-Related Neurodevelopmental Disorders; Epileptic encephalopathy, childhood-onset. Identifiers: Orphanet 1942, Orphanet 2382, MedGen C3809278, MONDO:0014150, OMIM 615369.

Allele frequency attached by ClinVar (database versions not stated): gnomAD exomes below 0.00001; ExAC 0.00001; gnomAD 0.00001 and 0.00002; TOPMed 0.00002.
gnomAD v4.1: 26 of 1,614,044 alleles (0.0016%); highest among the groups gnomAD compares: Non-Finnish European, 0.0022%; no homozygotes.

Submissions (2):

Labcorp Genetics (formerly Invitae), Labcorp
Classification: Likely benign for Developmental and epileptic encephalopathy 94. Last evaluated: 2025-08-15. Review status: criteria provided, single submitter. Criteria: Invitae Variant Classification Sherloc (09022015). Collection method: clinical testing. Allele origin: germline.

GeneDx
Classification: Likely benign. Last evaluated: 2017-12-04. Review status: criteria provided, single submitter. Criteria: GeneDx Variant Classification (06012015). Collection method: clinical testing. Allele origin: germline. Affected: yes.
Comment: This variant is considered likely benign or benign based on one or more of the following criteria: it is a conservative change, it occurs at a poorly conserved position in the protein, it is predicted to be benign by multiple in silico algorithms, and/or has population frequency not consistent with disease.